The following is an entry in ClinVar:

NM_001318852.2(MAPK8IP3):c.2636T>A (p.Val879Glu)

Gene: MAPK8IP3 (mitogen-activated protein kinase 8 interacting protein 3; plus strand). Cytogenetic location: 16p13.3.
Variant type: single nucleotide variant.
Coding change: c.2636T>A on transcript NM_001318852.2 (MANE Select); coding-DNA position 2636, T replaced by A.
Protein change: p.Val879Glu; replaces valine 879 with glutamic acid.
Molecular consequence: missense variant.
Genome position (GRCh38, 1-based): chr16:1,766,226, T>A. VCF-style: chr16-1766226-T-A. GRCh37 (hg19) VCF-style: chr16-1816227-T-A.
Other names: c.2615T>A, p.Val872Glu (NM_001040439.2); c.2633T>A, p.Val878Glu (NM_015133.5); short protein forms V872E, V878E, V879E.
Identifiers: ClinVar variation 3344291 (VCV003344291.1).

ClinVar aggregate classification (germline): Uncertain significance (0 of 4 stars; one submission).

Conditions:
MAPK8IP3-related disorder. Also called: MAPK8IP3-related condition.

gnomAD v4.1: 1 of 1,607,878 alleles (0.000062%); highest among the groups gnomAD compares: East Asian, 0.0022%; no homozygotes.

Submission:

PreventionGenetics, part of Exact Sciences
Classification: Uncertain significance for MAPK8IP3-related condition. Last evaluated: 2024-08-11. Review status: no assertion criteria provided. Collection method: clinical testing. Allele origin: germline.
Comment: The MAPK8IP3 c.2636T>A variant is predicted to result in the amino acid substitution p.Val879Glu. To our knowledge, this variant has not been reported in the literature. This variant is reported in 0.0056% of alleles in individuals of East Asian descent in gnomAD. At this time, the clinical significance of this variant is uncertain due to the absence of conclusive functional and genetic evidence.